The following is an entry in ClinVar:

ClinVar aggregate classification (germline): Uncertain significance (1 of 4 stars; one submission).

Conditions:
Microcephaly, normal intelligence and immunodeficiency (NBS). Also called: BERLIN BREAKAGE SYNDROME; Immunodeficiency, microcephaly with normal intelligence; IMMUNODEFICIENCY, MICROCEPHALY, AND CHROMOSOMAL INSTABILITY; SEEMANOVA SYNDROME II; Nijmegen breakage syndrome; Microcephaly with normal intelligence immunodeficiency and lymphoreticular malignancies. Identifiers: Orphanet 647, MedGen C0398791, MONDO:0009623, OMIM 251260.

Submission:

Labcorp Genetics (formerly Invitae), Labcorp
Classification: Uncertain significance for Microcephaly, normal intelligence and immunodeficiency. Last evaluated: 2023-04-14. Review status: criteria provided, single submitter. Criteria: Invitae Variant Classification Sherloc (09022015). Collection method: clinical testing. Allele origin: unknown.
Comment: This variant results in a copy number gain of the genomic region encompassing exon(s) 6-16 of the NBN gene. This region includes the termination codon of the gene. This copy number gain extends beyond the assayed region for this gene and therefore may encompass additional genes. As the precise location of this event is unknown, it may be in tandem or it may be located elsewhere in the genome. This variant has not been reported in the literature in individuals affected with NBN-related conditions. In summary, the available evidence is currently insufficient to determine the role of this variant in disease. Therefore, it has been classified as a Variant of Uncertain Significance. Experimental studies and prediction algorithms are not available or were not evaluated, and the functional significance of this variant is currently unknown.

NC_000008.10:g.(?_90947810)_(90983528_?)dup

Gene: NBN (nibrin; minus strand). Cytogenetic location: 8q21.3.
Variant type: Duplication.
Identifiers: ClinVar variation 3245501 (VCV003245501.1).